The following is an entry in ClinVar:

ClinVar aggregate classification (germline): Uncertain significance. Review status: criteria provided, multiple submitters, no conflicts (2 of 4 stars). 2 submissions from 2 submitters: Uncertain significance (2). Last evaluated 2024-09-18.

Conditions:
Autoimmune lymphoproliferative syndrome, type III caused by mutation in PRKCD. Identifiers: Orphanet 3261, Orphanet 664711, MedGen C3809928, MONDO:8000024, OMIM 615559.

Allele frequency attached by ClinVar (database versions not stated): gnomAD 0.00001; gnomAD exomes 0.00001; TOPMed 0.00001.

Submissions (2):

Blueprint Genetics
Classification: Uncertain significance. Last evaluated: 2024-09-18. Review status: criteria provided, single submitter. Criteria: ACMG Guidelines, 2015. Collection method: clinical testing. Allele origin: germline.

Labcorp Genetics (formerly Invitae), Labcorp
Classification: Uncertain significance for Autoimmune lymphoproliferative syndrome, type III caused by mutation in PRKCD. Last evaluated: 2023-12-11. Review status: criteria provided, single submitter. Criteria: Invitae Variant Classification Sherloc (09022015). Collection method: clinical testing. Allele origin: germline.
Comment: This sequence change replaces valine, which is neutral and non-polar, with isoleucine, which is neutral and non-polar, at codon 310 of the PRKCD protein (p.Val310Ile). This variant is present in population databases (no rsID available, gnomAD 0.002%). This variant has not been reported in the literature in individuals affected with PRKCD-related conditions. ClinVar contains an entry for this variant (Variation ID: 573919). An algorithm developed to predict the effect of missense changes on protein structure and function (PolyPhen-2) suggests that this variant is likely to be tolerated. In summary, the available evidence is currently insufficient to determine the role of this variant in disease. Therefore, it has been classified as a Variant of Uncertain Significance.

NM_006254.4(PRKCD):c.928G>A (p.Val310Ile)

Gene: PRKCD (protein kinase C delta; plus strand). Cytogenetic location: 3p21.1.
Variant type: single nucleotide variant.
Coding change: c.928G>A on transcript NM_006254.4 (MANE Select); coding-DNA position 928, G replaced by A.
Protein change: p.Val310Ile; replaces valine 310 with isoleucine.
Molecular consequence: missense variant.
Genome position (GRCh38, 1-based): chr3:53,185,643, G>A. VCF-style: chr3-53185643-G-A. GRCh37 (hg19) VCF-style: chr3-53219659-G-A.
Other names: c.928G>A, p.Val310Ile (NM_001316327.2, NM_001354679.2, NM_001354680.2 and 2 more transcripts); c.985G>A, p.Val329Ile (NM_001354676.2); c.976G>A, p.Val326Ile (NM_001354678.2); short protein forms V310I, V329I, V326I.
Identifiers: ClinVar variation 573919 (VCV000573919.6), dbSNP rs773144753, ClinGen allele CA353220857.
Genomic context (GRCh38, chr3:53,185,643, plus strand): 5'-CCACCTCTGCTCCCTCCCCAGAGAGCCTCCCGGAGATCAGACTCAGCCTCCTCAGAGCCT[G>A]TTGGGATATATCAGGGTTTCGAGAAGAAGACCGGAGTTGCTGGGGAGGACATGCAAGGTG-3'
Protein context (NP_006245.2, residues 300-320): RRSDSASSEP[Val310Ile]GIYQGFEKKT